The following is an entry in ClinVar:

ClinVar aggregate classification (germline): Uncertain significance. Review status: criteria provided, single submitter (1 of 4 stars). 2 submissions from 2 submitters: Uncertain significance (1). 1 of the submissions does not count toward it. Last evaluated 2026-02-24.

Conditions:
Inborn genetic diseases. Identifiers: MedGen C0950123, MeSH D030342.
Nephrotic syndrome, type 4 (NPHS4). Also called: Familial mesangial sclerosis; Nephrotic syndrome, early onset with diffuse mesangial sclerosis. Identifiers: Orphanet 656, MedGen C3151568, MONDO:0009733, OMIM 256370.

Submissions (2):

Ambry Genetics
Classification: Uncertain significance for Inborn genetic diseases. Last evaluated: 2026-02-24. Review status: criteria provided, single submitter. Criteria: Ambry Variant Classification Scheme 2023. Collection method: clinical testing. Allele origin: germline.
Comment: The p.R401G variant (also known as c.1201A>G), located in coding exon 7 of the WT1 gene, results from an A to G substitution at nucleotide position 1201. The arginine at codon 401 is replaced by glycine, an amino acid with dissimilar properties. This amino acid position is conserved. In addition, the in silico prediction for this alteration is inconclusive. Based on the available evidence, the clinical significance of this variant remains unclear.

Bioscientia Institut fuer Medizinische Diagnostik GmbH, Sonic Healthcare
Classification: Uncertain significance for Nephrotic syndrome, type 4. Last evaluated: 2019-02-21. Review status: no assertion criteria provided. Collection method: clinical testing. Allele origin: germline. Affected: yes. Not counted in ClinVar's aggregate classification.

NM_024426.6(WT1):c.1216A>G (p.Arg406Gly)

Gene: WT1 (WT1 transcription factor; minus strand). Cytogenetic location: 11p13.
Variant type: single nucleotide variant.
Coding change: c.1216A>G on transcript NM_024426.6 (MANE Select); coding-DNA position 1216, A replaced by G.
Protein change: p.Arg406Gly; replaces arginine 406 with glycine.
Molecular consequence: missense variant. On other transcripts: non-coding transcript variant (1).
Genome position (GRCh38, 1-based): chr11:32,396,305, T>C on the plus strand (A>G on the coding strand, the complement: WT1 is on the minus strand). VCF-style: chr11-32396305-T-C. GRCh37 (hg19) VCF-style: chr11-32417851-T-C.
Other names: c.1165A>G, p.Arg389Gly (NM_000378.6, NM_001407045.1, NM_001407048.1 and 1 more transcripts); c.565A>G, p.Arg189Gly (NM_001198551.2); c.514A>G, p.Arg172Gly (NM_001198552.2); c.28A>G, p.Arg10Gly (NM_001367854.1); c.1210A>G, p.Arg404Gly (NM_001407044.1); c.1216A>G, p.Arg406Gly (NM_001407046.1, NM_024424.5); c.1093A>G, p.Arg365Gly (NM_001407047.1); c.1042A>G, p.Arg348Gly (NM_001407050.1); and 2 more; short protein forms R189G, R406G, R389G, R10G, R172G, R365G, R404G, R384G.
Identifiers: ClinVar variation 635489 (VCV000635489.4), dbSNP rs1590338690, ClinGen allele CA379959876.